The following is an entry in ClinVar:

ClinVar aggregate classification (germline): Pathogenic. Review status: criteria provided, multiple submitters, no conflicts (2 of 4 stars). 13 submissions from 12 submitters: Pathogenic (11). 2 of the submissions do not count toward it. Last evaluated 2026-04-01.

Conditions:
ACVRL1-related disorder. Also called: ACVRL1-related condition; ACVRL1-related disorders.
Cardiovascular phenotype. Identifiers: MedGen CN230736.
Pulmonary arterial hypertension. Identifiers: Orphanet 182090, MedGen C2973725, MeSH D000081029, MONDO:0015924, HP:0002092.
Telangiectasia, hereditary hemorrhagic, type 2 (HHT2). Also called: ACVRL1-Related Hereditary Hemorrhagic Telangiectasia; Telangiectasia, hereditary hemorrhagic, type II. Identifiers: Orphanet 774, MedGen C1838163, MONDO:0010880, OMIM 600376. Disease mechanism: loss of function.
Pulmonary arterial hypertension related to hereditary hemorrhagic telangiectasia. Also called: PULMONARY ARTERIAL HYPERTENSION, HEREDITARY HEMORRHAGIC TELANGIECTASIA-RELATED. Identifiers: MedGen C1832529.
Epistaxis. Also called: nosebleeds. Identifiers: MedGen C0014591, HP:0000421.

Submissions (13):

Clinical Genetics Laboratory, Skane University Hospital Lund
Classification: Pathogenic for Telangiectasia, hereditary hemorrhagic, type 2. Last evaluated: 2026-04-01. Review status: criteria provided, single submitter. Criteria: ACMG Guidelines, 2015. Collection method: clinical testing. Allele origin: germline. Affected: yes.
Comment: ACVRL1 (NM_000020.3) c.1451G>A, p.(Arg484Gln) represents a nucleotide substitution in exon 10 of 10, resulting in the amino acid change noted above, which is predicted to be deleterious to protein function. ACVRL1 c.1451G>A has not been identified in the general population and has previously been described in the literature (see, among others, PMID: 34872578, 32170914), and is reported as pathogenic in the ClinVar database (Accession: VCV000212796.26). Three other amino acid substitutions at the same codon (c.1450C>T, p.(Arg484Trp); c.1451G>T, p.(Arg484Leu); and c.1451G>C, p.(Arg484Pro)) have been reported as pathogenic (Variation IDs: 8252, 1512139, 812855). A functional study of the variant has demonstrated deleterious effects on protein function (PMID: 20501893). The variant has been reported to segregate with related symptoms (PMID: 32170914, one family with three meioses). The variant has been classified as pathogenic based on the following gene-specific criteria (ClinGen Hereditary Hemorrhagic Telangiectasia Expert Panel Specifications to the ACMG/AMP Variant Interpretation Guidelines for ACVRL1 Version 1.1.0): PS3_Supporting, PS4, PM2_Supporting, PM5_Strong, PP1, PP3.

Ambry Genetics
Classification: Pathogenic for Cardiovascular phenotype. Last evaluated: 2025-09-12. Review status: criteria provided, single submitter. Criteria: Ambry Variant Classification Scheme 2023. Collection method: clinical testing. Allele origin: germline.
Comment: The p.R484Q pathogenic mutation (also known as c.1451G>A), located in coding exon 9 of the ACVRL1 gene, results from a G to A substitution at nucleotide position 1451. The arginine at codon 484 is replaced by glutamine, an amino acid with highly similar properties. This variant was reported in individual(s) with features consistent with pulmonary arterial hypertension (PAH) and hereditary hemorrhagic telangiectasia (HHT) (Harrison RE et al. Circulation, 2005 Feb;111:435-41; Pfarr N et al. Respir. Res., 2013;14:3; Chen YJ et al. Eur. J. Clin. Invest., 2013 Oct;43:1016-24). The p.R484Q mutation is located in the intracellular kinase domain in the NANDOR box of the ALK1 protein, and functional studies showed this mutation had no functional activity in response to BMP9, a ligand for ALK1 (Ricard N et al. Blood, 2010 Sep;116:1604-12). This amino acid position is highly conserved in available vertebrate species. In addition, this alteration is predicted to be deleterious by in silico analysis. This variant is considered to be rare based on population cohorts in the Genome Aggregation Database (gnomAD). Based on the supporting evidence, this variant is interpreted as a disease-causing mutation.

Labcorp Genetics (formerly Invitae), Labcorp
Classification: Pathogenic for Telangiectasia, hereditary hemorrhagic, type 2. Last evaluated: 2025-03-16. Review status: criteria provided, single submitter. Criteria: Invitae Variant Classification Sherloc (09022015). Collection method: clinical testing. Allele origin: germline.
Comment: This sequence change replaces arginine, which is basic and polar, with glutamine, which is neutral and polar, at codon 484 of the ACVRL1 protein (p.Arg484Gln). This variant is not present in population databases (gnomAD no frequency). This missense change has been observed in individuals with hereditary haemorrhagic telangiectasia or pulmonary arterial hypertension (PMID: 15687131, 17786384, 18159113, 21378382, 22632830, 23298310, 23919827). ClinVar contains an entry for this variant (Variation ID: 212796). Invitae Evidence Modeling of protein sequence and biophysical properties (such as structural, functional, and spatial information, amino acid conservation, physicochemical variation, residue mobility, and thermodynamic stability) indicates that this missense variant is expected to disrupt ACVRL1 protein function with a positive predictive value of 95%. Experimental studies have shown that this missense change affects ACVRL1 function (PMID: 20501893). This variant disrupts the p.Arg484 amino acid residue in ACVRL1. Other variant(s) that disrupt this residue have been determined to be pathogenic (PMID: 11484689, 16540754, 18498373, 20056902, 20501893, 23124896, 27316748). This suggests that this residue is clinically significant, and that variants that disrupt this residue are likely to be disease-causing. For these reasons, this variant has been classified as Pathogenic.

Blueprint Genetics
Classification: Pathogenic for ACVRL1-related disorders. Last evaluated: 2022-10-27. Review status: criteria provided, single submitter. Criteria: ACMG Guidelines, 2015. Collection method: clinical testing. Allele origin: germline. Affected: yes. Observed: 5 variant alleles.

GeneDx
Classification: Pathogenic. Last evaluated: 2022-02-25. Review status: criteria provided, single submitter. Criteria: GeneDx Variant Classification Process June 2021. Collection method: clinical testing. Allele origin: germline. Affected: yes.
Comment: Not observed at significant frequency in large population cohorts (gnomAD); Published functional studies demonstrate that variants in residue 484, which is located in the highly conserved NANDOR box region, cause defective signaling with the BMP9 ligand (Ricard et al., 2010); In silico analysis supports that this missense variant has a deleterious effect on protein structure/function; This variant is associated with the following publications: (PMID: 21378382, 17786384, 23919827, 22632830, 18159113, 23298310, 29631995, 26387786, 20501893, 27587546, 31630786, 30578397, 30578106, 31511490, 32170914, 32581362, 34966542, 15687131)

Institute of Human Genetics, University of Leipzig Medical Center
Classification: Pathogenic for Telangiectasia, hereditary hemorrhagic, type 2. Last evaluated: 2019-02-04. Review status: criteria provided, single submitter. Criteria: ACMG Guidelines, 2015. Collection method: clinical testing. Allele origin: germline. Affected: yes. Observed: 1 variant allele.

ARUP Laboratories, Molecular Genetics and Genomics, ARUP Laboratories
Classification: Pathogenic. Last evaluated: 2016-12-04. Review status: criteria provided, single submitter. Criteria: ARUP Molecular Germline Variant Investigation Process. Collection method: clinical testing. Allele origin: germline.

Center of Genomic medicine, Geneva, University Hospital of Geneva
Classification: Pathogenic for Telangiectasia, hereditary hemorrhagic, type 2. Last evaluated: 2016-09-26. Review status: criteria provided, single submitter. Criteria: ACMG Guidelines, 2015. Collection method: clinical testing. Allele origin: paternal. Affected: yes.

Centre for Mendelian Genomics, University Medical Centre Ljubljana
Classification: Pathogenic for Telangiectasia, hereditary hemorrhagic, type 2. Last evaluated: 2016-01-01. Review status: criteria provided, single submitter. Criteria: ACMG Guidelines, 2015. Collection method: clinical testing. Allele origin: unknown. Affected: yes.
Comment: This variant was classified as: Pathogenic.

Centre for Mendelian Genomics, University Medical Centre Ljubljana
Classification: Pathogenic for Epistaxis; Pulmonary arterial hypertension. Last evaluated: 2015-11-24. Review status: criteria provided, single submitter. Criteria: ACMG Guidelines, 2015. Collection method: clinical testing. Allele origin: unknown. Affected: yes.

Juno Genomics, Hangzhou Juno Genomics, Inc
Classification: Pathogenic for Telangiectasia, hereditary hemorrhagic, type 2. Review status: criteria provided, single submitter. Criteria: ACMG Guidelines, 2015. Collection method: clinical testing. Allele origin: germline. Affected: yes.
Comment: Absent from controls (or at extremely low frequency if recessive) in Genome Aggregation Database, Exome Sequencing Project, 1000 Genomes Project, or Exome Aggregation Consortium.;Missense variant in a gene that has a low rate of benign missense variation and where missense variants are a common mechanism of disease.;Well-established in vitro or in vivo functional studies supportive of a damaging effect on the gene or gene product.;The prevalence of the variant in affected individuals is significantly increased compared to the prevalence in controls.;Novel missense change at an amino acid residue where a different missense change determined to be pathogenic has been seen before.;Co-segregation with disease in multiple affected family members in a gene definitively known to cause the disease.;Patient's phenotype or family history is highly specific for a disease with a single genetic etiology.

NIHR Bioresource Rare Diseases, University of Cambridge
Classification: Likely pathogenic for Pulmonary arterial hypertension. Review status: no assertion criteria provided. Collection method: research. Allele origin: unknown. Affected: yes. Observed: 1 variant allele. Not counted in ClinVar's aggregate classification.

Rare Disease Genomics Group, St George's University of London
Classification: Pathogenic for Pulmonary arterial hypertension related to hereditary hemorrhagic telangiectasia. Review status: no assertion criteria provided. Collection method: literature only. Allele origin: germline. Affected: yes. Not counted in ClinVar's aggregate classification.

Literature cited by the submitters: PubMed 15687131 (cited by 3 submitters); PubMed 17786384 (cited by Ambry Genetics and Labcorp Genetics (formerly Invitae), Labcorp); PubMed 20501893 (cited by Ambry Genetics and Labcorp Genetics (formerly Invitae), Labcorp); PubMed 21378382 (cited by 3 submitters); PubMed 22632830 (cited by Ambry Genetics and Labcorp Genetics (formerly Invitae), Labcorp); PubMed 23298310 (cited by 3 submitters); PubMed 23919827 (cited by 3 submitters); PubMed 30260738 (cited by Ambry Genetics); PubMed 18159113 (cited by Labcorp Genetics (formerly Invitae), Labcorp and Rare Disease Genomics Group, St George's University of London); PubMed 11484689 (cited by Labcorp Genetics (formerly Invitae), Labcorp); PubMed 16540754 (cited by Labcorp Genetics (formerly Invitae), Labcorp); PubMed 18498373 (cited by Labcorp Genetics (formerly Invitae), Labcorp); PubMed 20056902 (cited by Labcorp Genetics (formerly Invitae), Labcorp); PubMed 23124896 (cited by Labcorp Genetics (formerly Invitae), Labcorp); PubMed 27316748 (cited by Labcorp Genetics (formerly Invitae), Labcorp); PubMed 32581362 (cited by NIHR Bioresource Rare Diseases, University of Cambridge); PubMed 26387786 (cited by Rare Disease Genomics Group, St George's University of London).

NM_000020.3(ACVRL1):c.1451G>A (p.Arg484Gln)

Gene: ACVRL1 (activin A receptor like type 1; plus strand). Cytogenetic location: 12q13.13.
Variant type: single nucleotide variant.
Coding change: c.1451G>A on transcript NM_000020.3 (MANE Select); coding-DNA position 1451, G replaced by A.
Protein change: p.Arg484Gln; replaces arginine 484 with glutamine.
Molecular consequence: missense variant.
Genome position (GRCh38, 1-based): chr12:51,920,832, G>A. VCF-style: chr12-51920832-G-A. GRCh37 (hg19) VCF-style: chr12-52314616-G-A.
Other names: p.R484Q:CGG>CAG; c.1451G>A, p.Arg484Gln (NM_001077401.2); short protein forms R484Q.
Identifiers: ClinVar variation 212796 (VCV000212796.28), dbSNP rs863223408, ClinGen allele CA323134.